The following is an entry in ClinVar:

NM_003504.5(CDC45):c.1374G>C (p.Met458Ile)

Gene: CDC45 (cell division cycle 45; plus strand). Cytogenetic location: 22q11.21.
Variant type: single nucleotide variant.
Coding change: c.1374G>C on transcript NM_003504.5 (MANE Select); coding-DNA position 1374, G replaced by C.
Protein change: p.Met458Ile; replaces methionine 458 with isoleucine.
Molecular consequence: missense variant.
Genome position (GRCh38, 1-based): chr22:19,514,982, G>C. VCF-style: chr22-19514982-G-C. GRCh37 (hg19) VCF-style: chr22-19502505-G-C.
Other names: c.1470G>C, p.Met490Ile (NM_001178010.2); c.1236G>C, p.Met412Ile (NM_001178011.2); c.1338G>C, p.Met446Ile (NM_001369291.1); short protein forms M412I, M446I, M458I, M490I.
Identifiers: ClinVar variation 1010390 (VCV001010390.9), dbSNP rs1933702399, ClinGen allele CA410668754.
Genomic context (GRCh38, chr22:19,514,982, plus strand): 5'-CAGCACCAGTGGCTTCGTCTGACCATCTGTCTCGCCTCCGCAGGGCACTCCAGATGTCAT[G>C]CTGTTCTCTAGGCCGGCATCCCTAAGCCTGCTCAGCAAACACCTGCTCAAGTCCTTTGTG-3'
Protein context (NP_003495.1, residues 448-468): CSLMEGTPDV[Met458Ile]LFSRPASLSL

ClinVar aggregate classification (germline): Uncertain significance (1 of 4 stars; one submission).

Submission:

Labcorp Genetics (formerly Invitae), Labcorp
Classification: Uncertain significance. Last evaluated: 2020-03-08. Review status: criteria provided, single submitter. Criteria: Invitae Variant Classification Sherloc (09022015). Collection method: clinical testing. Allele origin: germline.
Comment: In summary, the available evidence is currently insufficient to determine the role of this variant in disease. Therefore, it has been classified as a Variant of Uncertain Significance. Algorithms developed to predict the effect of missense changes on protein structure and function output the following: SIFT: "Tolerated"; PolyPhen-2: "Benign"; Align-GVGD: "Class C0". The isoleucine amino acid residue is found in multiple mammalian species, suggesting that this missense change does not adversely affect protein function. These predictions have not been confirmed by published functional studies and their clinical significance is uncertain. This variant has not been reported in the literature in individuals with CDC45-related conditions. This variant is not present in population databases (ExAC no frequency). This sequence change replaces methionine with isoleucine at codon 490 of the CDC45 protein (p.Met490Ile). The methionine residue is weakly conserved and there is a small physicochemical difference between methionine and isoleucine.